The following is an entry in ClinVar:

ClinVar aggregate classification (germline): Pathogenic. Review status: criteria provided, multiple submitters, no conflicts (2 of 4 stars). 2 submissions from 2 submitters: Pathogenic (2). Last evaluated 2024-03-09.

Conditions:
LAMA2-related muscular dystrophy (LAMA2-RD). Also called: Laminin alpha 2-related dystrophy. Identifiers: MedGen C5679788, MONDO:0100228.

Submissions (2):

Myriad Genetics, Inc.
Classification: Pathogenic for LAMA2-related muscular dystrophy. Last evaluated: 2024-03-09. Review status: criteria provided, single submitter. Criteria: Myriad Autosomal Dominant, Autosomal Recessive and X-Linked Classification Criteria (2023). Collection method: clinical testing. Allele origin: unknown.
Comment: NM_000426.3(LAMA2):c.4615delT(C1539Vfs*56) is expected to be pathogenic in the context of muscular dystrophy, LAMA2-related. This variant is predicted to lead to an abnormal or absent protein product due to the creation of a premature termination codon in LAMA2, a gene where loss-of-function variants are known to be pathogenic. Please note: this variant was assessed in the context of healthy population screening.

Labcorp Genetics (formerly Invitae), Labcorp
Classification: Pathogenic for LAMA2-related muscular dystrophy. Last evaluated: 2021-11-14. Review status: criteria provided, single submitter. Criteria: Invitae Variant Classification Sherloc (09022015). Collection method: clinical testing. Allele origin: germline.
Comment: For these reasons, this variant has been classified as Pathogenic. This variant has not been reported in the literature in individuals affected with LAMA2-related conditions. This variant is not present in population databases (gnomAD no frequency). This sequence change creates a premature translational stop signal (p.Cys1539Valfs*56) in the LAMA2 gene. It is expected to result in an absent or disrupted protein product. Loss-of-function variants in LAMA2 are known to be pathogenic (PMID: 18700894, 32904964).

Literature cited by the submitters: PubMed 18700894 (cited by Labcorp Genetics (formerly Invitae), Labcorp); PubMed 32904964 (cited by Labcorp Genetics (formerly Invitae), Labcorp).

NM_000426.4(LAMA2):c.4615del (p.Cys1539fs)

Gene: LAMA2 (laminin subunit alpha 2; plus strand). Cytogenetic location: 6q22.33.
Variant type: Deletion.
Coding change: c.4615del on transcript NM_000426.4 (MANE Select); coding-DNA position 4615, one base deleted (T; older notation c.4615delT).
Protein change: p.Cys1539fs; shifts the reading frame from cysteine 1539.
Molecular consequence: frameshift variant.
Genome position (GRCh38, 1-based): chr6:129,353,255, T deleted. VCF-style (leftmost placement, unchanged base first): chr6-129353254-CT-C. GRCh37 (hg19) VCF-style: chr6-129674399-CT-C.
Other names: c.4615del, p.Cys1539fs (NM_001079823.2); short protein forms C1539fs.
Identifiers: ClinVar variation 1458675 (VCV001458675.7), dbSNP rs2114593373, ClinGen allele CA2573140609.